The following is an entry in ClinVar:

ClinVar aggregate classification (germline): Uncertain significance (1 of 4 stars; one submission).

Conditions:
Gorlin syndrome. Also called: Nevoid Basal Cell Carcinoma Syndrome; Basal cell nevus syndrome. Identifiers: Orphanet 377, MedGen C0004779, MONDO:0007187.

Allele frequency attached by ClinVar (database versions not stated): TOPMed below 0.00001; gnomAD 0.00001.

Submission:

Labcorp Genetics (formerly Invitae), Labcorp
Classification: Uncertain significance for Gorlin syndrome. Last evaluated: 2023-12-06. Review status: criteria provided, single submitter. Criteria: Invitae Variant Classification Sherloc (09022015). Collection method: clinical testing. Allele origin: germline.
Comment: This sequence change replaces alanine, which is neutral and non-polar, with valine, which is neutral and non-polar, at codon 740 of the PTCH2 protein (p.Ala740Val). This variant is present in population databases (no rsID available, gnomAD 0.0009%). This variant has not been reported in the literature in individuals affected with PTCH2-related conditions. ClinVar contains an entry for this variant (Variation ID: 1017344). Advanced modeling of protein sequence and biophysical properties (such as structural, functional, and spatial information, amino acid conservation, physicochemical variation, residue mobility, and thermodynamic stability) performed at Invitae indicates that this missense variant is not expected to disrupt PTCH2 protein function with a negative predictive value of 80%. In summary, the available evidence is currently insufficient to determine the role of this variant in disease. Therefore, it has been classified as a Variant of Uncertain Significance.

NM_003738.5(PTCH2):c.2219C>T (p.Ala740Val)

Gene: PTCH2 (patched 2; minus strand). Cytogenetic location: 1p34.1.
Variant type: single nucleotide variant.
Coding change: c.2219C>T on transcript NM_003738.5 (MANE Select); coding-DNA position 2219, C replaced by T.
Protein change: p.Ala740Val; replaces alanine 740 with valine.
Molecular consequence: missense variant.
Genome position (GRCh38, 1-based): chr1:44,827,554, G>A on the plus strand (C>T on the coding strand, the complement: PTCH2 is on the minus strand). VCF-style: chr1-44827554-G-A. GRCh37 (hg19) VCF-style: chr1-45293226-G-A.
Other names: c.2219C>T, p.Ala740Val (NM_001166292.2); short protein forms A740V.
Identifiers: ClinVar variation 1017344 (VCV001017344.9), dbSNP rs768297911, ClinGen allele CA340096541.